The following is an entry in ClinVar:

NM_001852.4(COL9A2):c.2048C>G (p.Pro683Arg)

Gene: COL9A2 (collagen type IX alpha 2 chain; minus strand). Cytogenetic location: 1p34.2.
Variant type: single nucleotide variant.
Coding change: c.2048C>G on transcript NM_001852.4 (MANE Select); coding-DNA position 2048, C replaced by G.
Protein change: p.Pro683Arg; replaces proline 683 with arginine.
Molecular consequence: missense variant.
Genome position (GRCh38, 1-based): chr1:40,301,204, G>C on the plus strand (C>G on the coding strand, the complement: COL9A2 is on the minus strand). VCF-style: chr1-40301204-G-C. GRCh37 (hg19) VCF-style: chr1-40766876-G-C.
Other names: short protein forms P683R.
Identifiers: ClinVar variation 2903157 (VCV002903157.3), dbSNP rs1476528021, ClinGen allele CA339873745.

ClinVar aggregate classification (germline): Uncertain significance (1 of 4 stars; one submission).

Allele frequency attached by ClinVar (database versions not stated): TOPMed 0.00001.
gnomAD v4.1: 2 of 1,613,864 alleles (0.00012%); highest among the groups gnomAD compares: East Asian, 0.0045%; no homozygotes.

Submission:

Labcorp Genetics (formerly Invitae), Labcorp
Classification: Uncertain significance. Last evaluated: 2025-08-06. Review status: criteria provided, single submitter. Criteria: Invitae Variant Classification Sherloc (09022015). Collection method: clinical testing. Allele origin: germline.
Comment: This sequence change replaces proline, which is neutral and non-polar, with arginine, which is basic and polar, at codon 683 of the COL9A2 protein (p.Pro683Arg). This variant is present in population databases (no rsID available, gnomAD 0.006%). This variant has not been reported in the literature in individuals affected with COL9A2-related conditions. ClinVar contains an entry for this variant (Variation ID: 2903157). Invitae Evidence Modeling of protein sequence and biophysical properties (such as structural, functional, and spatial information, amino acid conservation, physicochemical variation, residue mobility, and thermodynamic stability) indicates that this missense variant is not expected to disrupt COL9A2 protein function with a negative predictive value of 95%. In summary, the available evidence is currently insufficient to determine the role of this variant in disease. Therefore, it has been classified as a Variant of Uncertain Significance.